The following is an entry in ClinVar:

ClinVar aggregate classification (germline): Uncertain significance. Review status: criteria provided, multiple submitters, no conflicts (2 of 4 stars). 2 submissions from 2 submitters: Uncertain significance (2). Last evaluated 2023-09-06.

Conditions:
Brugada syndrome 5 (BRGDA5). Identifiers: Orphanet 130, Orphanet 871, MedGen C2748541, MONDO:0013015, OMIM 612838.

Allele frequency attached by ClinVar (database versions not stated): gnomAD exomes below 0.00001 and 0.00001; gnomAD 0.00001; TOPMed 0.00001.
gnomAD v4.1: 3 of 1,614,068 alleles (0.00019%); highest among the groups gnomAD compares: African/African-American, 0.004%; no homozygotes.

Submissions (2):

Labcorp Genetics (formerly Invitae), Labcorp
Classification: Uncertain significance for Brugada syndrome 5. Last evaluated: 2023-09-06. Review status: criteria provided, single submitter. Criteria: Invitae Variant Classification Sherloc (09022015). Collection method: clinical testing. Allele origin: germline.
Comment: This variant has not been reported in the literature in individuals affected with SCN1B-related conditions. Experimental studies and prediction algorithms are not available or were not evaluated, and the effect of this variant on mRNA splicing is currently unknown. In summary, the available evidence is currently insufficient to determine the role of this variant in disease. Therefore, it has been classified as a Variant of Uncertain Significance. The SCN1B gene has multiple clinically relevant transcripts. This variant occurs in alternate transcript NM_001037.4, and corresponds to NM_199037.3:c.*5567C>T in the primary transcript. This sequence change affects codon 207 of the SCN1B mRNA. It is a 'silent' change, meaning that it does not change the encoded amino acid sequence of the SCN1B protein. This variant is present in population databases (no rsID available, gnomAD 0.01%).

Eurofins Ntd Llc (ga)
Classification: Uncertain significance. Last evaluated: 2018-01-02. Review status: criteria provided, single submitter. Criteria: EGL Classification Definitions 2015. Collection method: clinical testing. Allele origin: germline. Observed: 1 variant allele, 1 heterozygote.

NM_001037.5(SCN1B):c.621C>T (p.Ser207=)

Gene: SCN1B (sodium voltage-gated channel beta subunit 1; plus strand). Cytogenetic location: 19q13.11.
Variant type: single nucleotide variant.
Coding change: c.621C>T on transcript NM_001037.5 (MANE Select); coding-DNA position 621, C replaced by T.
Protein change: p.Ser207=; no amino-acid change (serine 207 retained).
Molecular consequence: synonymous variant.
Genome position (GRCh38, 1-based): chr19:35,039,665, C>T. VCF-style: chr19-35039665-C-T. GRCh37 (hg19) VCF-style: chr19-35530569-C-T.
Other names: c.522C>T, p.Ser174= (NM_001321605.2).
Identifiers: ClinVar variation 595627 (VCV000595627.8), dbSNP rs1378669075, ClinGen allele CA507055788.